The following is an entry in ClinVar:

NM_001164457.3(ZNF705G):c.241G>A (p.Glu81Lys)

Gene: ZNF705G (zinc finger protein 705G). Cytogenetic location: 8p23.1.
Variant type: single nucleotide variant.
Coding change: c.241G>A on transcript NM_001164457.3 (MANE Select); coding-DNA position 241, G replaced by A.
Protein change: p.Glu81Lys; replaces glutamic acid 81 with lysine.
Molecular consequence: missense variant.
Genome position (GRCh38, 1-based): chr8:7,359,696, C>T on the plus strand (G>A on the coding strand, the complement: ZNF705G is on the minus strand). VCF-style: chr8-7359696-C-T. GRCh37 (hg19) VCF-style: chr8-7217218-C-T.
Other names: short protein forms E81K.
Identifiers: ClinVar variation 4867054 (VCV004867054.1).
Genomic context (GRCh38, chr8:7,359,696, plus strand): 5'-ATGCGTCTTTTCTGGTGATAGGATGCATGGATATCATGTGTGTTTTCTTAAGGGCACTTT[C>T]CCTGTCTGAAATAATTGAAAAATAAATTGTTACATTGGTATTATGGTAATAAAATTGTTT-3'
Protein context (NP_001157929.1, residues 71-91): VFLQDQNPNR[Glu81Lys]SALKKTHMIS

ClinVar aggregate classification (germline): Uncertain significance (1 of 4 stars; one submission).

gnomAD v4.1: 41 of 1,606,574 alleles (0.0026%); highest among the groups gnomAD compares: African/African-American, 0.049%; 5 homozygotes.

Submission:

Ambry Genetics
Classification: Uncertain significance. Last evaluated: 2026-03-19. Review status: criteria provided, single submitter. Criteria: Ambry Variant Classification Scheme 2023. Collection method: clinical testing. Allele origin: germline.
Comment: The c.241G>A (p.E81K) alteration is located in exon 4 (coding exon 4) of the ZNF705G gene. This alteration results from a G to A substitution at nucleotide position 241, causing the glutamic acid (E) at amino acid position 81 to be replaced by a lysine (K). Based on data from gnomAD, the A allele has an overall frequency of 0.005% (13/280326) total alleles studied. The highest observed frequency was 0.047% (11/23298) of African alleles. Based on insufficient or conflicting evidence, the clinical significance of this alteration remains unclear.